The following is an entry in ClinVar:

ClinVar aggregate classification (germline): Benign. Review status: criteria provided, multiple submitters, no conflicts (2 of 4 stars). 3 submissions from 3 submitters: Benign (3). Last evaluated 2024-07-15.

Allele frequency attached by ClinVar (database versions not stated): 1000 Genomes Project 30x 0.29419; 1000 Genomes Project 0.29673; TOPMed 0.31416; gnomAD 0.32550 and 0.32850; gnomAD exomes 0.38345.
gnomAD v4.1: 412,208 of 1,098,046 alleles (38%); highest among the groups gnomAD compares: South Asian, 40%; 80,167 homozygotes.

Submissions (3):

Unidad de Genómica Garrahan, Hospital de Pediatría Garrahan
Classification: Benign. Last evaluated: 2024-07-15. Review status: criteria provided, single submitter. Criteria: ACMG Guidelines, 2015. Collection method: clinical testing. Allele origin: germline. Affected: no. Observed: 47 variant alleles.
Comment: This variant is classified as Benign based on local population frequency. This variant was detected in 51% of patients studied in a panel designed for Epileptic and Developmental Encephalopathy and Progressive Myoclonus Epilepsy. Number of patients: 47. Only high quality variants are reported.

GeneDx
Classification: Benign. Last evaluated: 2018-06-23. Review status: criteria provided, single submitter. Criteria: GeneDx Variant Classification Process June 2021. Collection method: clinical testing. Allele origin: germline. Affected: yes.

Breakthrough Genomics
Classification: Benign. Review status: criteria provided, single submitter. Criteria: ACMG Guidelines, 2015. Collection method: not provided. Allele origin: germline. Inheritance: Autosomal recessive inheritance. Affected: yes.

NM_002693.3(POLG):c.2157+92T>C

Gene: POLG (DNA polymerase gamma, catalytic subunit; minus strand). Cytogenetic location: 15q26.1.
Variant type: single nucleotide variant.
Coding change: c.2157+92T>C on transcript NM_002693.3 (MANE Select); 92 bases into the intron after coding-DNA position 2157, T replaced by C.
Molecular consequence: intron variant.
Genome position (GRCh38, 1-based): chr15:89,323,723, A>G on the plus strand (T>C on the coding strand, the complement: POLG is on the minus strand). VCF-style: chr15-89323723-A-G. GRCh37 (hg19) VCF-style: chr15-89866954-A-G.
Other names: c.2157+92T>C (NM_001126131.2).
Identifiers: ClinVar variation 1257536 (VCV001257536.5), dbSNP rs2072266, ClinGen allele CA14089288.
Genomic context (GRCh38, chr15:89,323,723, plus strand): 5'-GCTCCAACACGTGTGGGGCCTCCCAGGGGCAGGGTGGCATCTCCAACCCCCTTAAGACCT[A>G]GGGAACTCTGGCTGGGAAGAACTAGGTGGGCAAGAGGAAGCCCTTTCCACCCAGCACCCA-3'